The following is an entry in ClinVar:

ClinVar aggregate classification (germline): Uncertain significance (1 of 4 stars; one submission).

Conditions:
Glycogen storage disease, type II (IOPD). Also called: Pompe Disease; Glycogen storage disease type 2; Acid maltase deficiency disease; Aglucosidase alfa; Deficiency of alpha-glucosidase; Deficiency of lysosomal alpha-glucosidase. Identifiers: Orphanet 365, MedGen C0017921, MONDO:0009290, OMIM 232300.

Allele frequency attached by ClinVar (database versions not stated): gnomAD 0.00001; TOPMed 0.00001.
gnomAD v4.1: 1 of 1,613,728 alleles (0.000062%); no homozygotes.

Submission:

Labcorp Genetics (formerly Invitae), Labcorp
Classification: Uncertain significance for Glycogen storage disease, type II. Last evaluated: 2022-02-03. Review status: criteria provided, single submitter. Criteria: Invitae Variant Classification Sherloc (09022015). Collection method: clinical testing. Allele origin: germline.
Comment: This sequence change replaces alanine, which is neutral and non-polar, with proline, which is neutral and non-polar, at codon 554 of the GAA protein (p.Ala554Pro). In summary, the available evidence is currently insufficient to determine the role of this variant in disease. Therefore, it has been classified as a Variant of Uncertain Significance. Advanced modeling of protein sequence and biophysical properties (such as structural, functional, and spatial information, amino acid conservation, physicochemical variation, residue mobility, and thermodynamic stability) performed at Invitae indicates that this missense variant is not expected to disrupt GAA protein function. This variant has not been reported in the literature in individuals affected with GAA-related conditions. This variant is not present in population databases (gnomAD no frequency).

NM_000152.5(GAA):c.1660G>C (p.Ala554Pro)

Gene: GAA (alpha glucosidase; plus strand). Cytogenetic location: 17q25.3.
Variant type: single nucleotide variant.
Coding change: c.1660G>C on transcript NM_000152.5 (MANE Select); coding-DNA position 1660, G replaced by C.
Protein change: p.Ala554Pro; replaces alanine 554 with proline.
Molecular consequence: missense variant.
Genome position (GRCh38, 1-based): chr17:80,112,006, G>C. VCF-style: chr17-80112006-G-C. GRCh37 (hg19) VCF-style: chr17-78085805-G-C.
Other names: c.1660G>C, p.Ala554Pro (NM_001079803.3, NM_001079804.3); short protein forms A554P.
Identifiers: ClinVar variation 1395571 (VCV001395571.8), dbSNP rs1283351706, ClinGen allele CA401368854.